The following is an entry in ClinVar:

NM_004370.6(COL12A1):c.2714G>A (p.Arg905His)

Gene: COL12A1 (collagen type XII alpha 1 chain; minus strand). Cytogenetic location: 6q13.
Variant type: single nucleotide variant.
Coding change: c.2714G>A on transcript NM_004370.6 (MANE Select); coding-DNA position 2714, G replaced by A.
Protein change: p.Arg905His; replaces arginine 905 with histidine.
Molecular consequence: missense variant. On other transcripts: intron variant (1).
Genome position (GRCh38, 1-based): chr6:75,165,776, C>T on the plus strand (G>A on the coding strand, the complement: COL12A1 is on the minus strand). VCF-style: chr6-75165776-C-T. GRCh37 (hg19) VCF-style: chr6-75875492-C-T.
Other names: c.74-13294G>A (NM_080645.3); short protein forms R905H.
Identifiers: ClinVar variation 580432 (VCV000580432.17), dbSNP rs369193482, ClinGen allele CA3893883.

ClinVar aggregate classification (germline): Conflicting classifications of pathogenicity. Review status: criteria provided, conflicting classifications (1 of 4 stars). 5 submissions from 5 submitters: Uncertain significance (4); Likely benign (1). Last evaluated 2025-10-08.

Conditions:
Ullrich congenital muscular dystrophy 2 (UCMD2). Identifiers: Orphanet 75840, MedGen C4225314, MONDO:0014654, OMIM 616470.
Bethlem myopathy 2 (BTHLM2). Identifiers: Orphanet 536516, Orphanet 610, MedGen C4225313, MONDO:0034022, OMIM 616471.

Allele frequency attached by ClinVar (database versions not stated): TOPMed 0.00008; 1000 Genomes Project 30x 0.00031; gnomAD 0.00006; gnomAD exomes 0.00014; ExAC 0.00015; ESP Exome Variant Server 0.00017; 1000 Genomes Project 0.00020.
gnomAD v4.1: 197 of 1,610,470 alleles (0.012%); highest among the groups gnomAD compares: Middle Eastern, 0.017%; no homozygotes.

Submissions (5):

Labcorp Genetics (formerly Invitae), Labcorp
Classification: Likely benign for Bethlem myopathy 2; Ullrich congenital muscular dystrophy 2. Last evaluated: 2025-10-08. Review status: criteria provided, single submitter. Criteria: Invitae Variant Classification Sherloc (09022015). Collection method: clinical testing. Allele origin: germline.

Women's Health and Genetics/Laboratory Corporation of America, LabCorp
Classification: Uncertain significance. Last evaluated: 2025-01-29. Review status: criteria provided, single submitter. Criteria: LabCorp Variant Classification Summary - May 2015. Collection method: clinical testing. Allele origin: germline.
Comment: Variant summary: COL12A1 c.2714G>A (p.Arg905His) results in a non-conservative amino acid change in the encoded protein sequence. Three of four in-silico tools predict a damaging effect of the variant on protein function. The variant allele was found at a frequency of 0.00014 in 246836 control chromosomes. This frequency is not significantly higher than estimated for a pathogenic variant in COL12A1 causing Ullrich congenital muscular dystrophy 2 (0.00014 vs 0.0035), allowing no conclusion about variant significance. To our knowledge, no occurrence of c.2714G>A in individuals affected with Ullrich congenital muscular dystrophy 2 and no experimental evidence demonstrating its impact on protein function have been reported. ClinVar contains an entry for this variant (Variation ID: 580432). Based on the evidence outlined above, the variant was classified as uncertain significance.

GeneDx
Classification: Uncertain significance. Last evaluated: 2024-02-23. Review status: criteria provided, single submitter. Criteria: GeneDx Variant Classification Process June 2021. Collection method: clinical testing. Allele origin: germline. Affected: yes.
Comment: Has not been previously published as pathogenic or benign in association with COL12A1-related myopathies to our knowledge; In silico analysis supports that this missense variant does not alter protein structure/function; This variant is associated with the following publications: (PMID: 28407358, 34011629, 31785789, 35982159, 35982160, 25363768)

Revvity Omics, Revvity
Classification: Uncertain significance. Last evaluated: 2024-01-19. Review status: criteria provided, single submitter. Criteria: ACMG Guidelines, 2015. Collection method: clinical testing. Allele origin: germline.

Fulgent Genetics
Classification: Uncertain significance for Ullrich congenital muscular dystrophy 2; Bethlem myopathy 2. Last evaluated: 2018-10-31. Review status: criteria provided, single submitter. Criteria: ACMG Guidelines, 2015. Collection method: clinical testing. Allele origin: unknown.